The following is an entry in ClinVar:

NM_001040716.2(PC):c.2783G>A (p.Arg928Gln)

Gene: PC (pyruvate carboxylase; minus strand). Cytogenetic location: 11q13.2.
Variant type: single nucleotide variant.
Coding change: c.2783G>A on transcript NM_001040716.2 (MANE Select); coding-DNA position 2783, G replaced by A.
Protein change: p.Arg928Gln; replaces arginine 928 with glutamine.
Molecular consequence: missense variant.
Genome position (GRCh38, 1-based): chr11:66,850,052, C>T on the plus strand (G>A on the coding strand, the complement: PC is on the minus strand). VCF-style: chr11-66850052-C-T. GRCh37 (hg19) VCF-style: chr11-66617523-C-T.
Other names: c.2783G>A (NM_001040716.1); c.2783G>A, p.Arg928Gln (NM_000920.4, NM_022172.3); short protein forms R928Q.
Identifiers: ClinVar variation 879802 (VCV000879802.13), dbSNP rs755385132, ClinGen allele CA6130975.

ClinVar aggregate classification (germline): Conflicting classifications of pathogenicity. Review status: criteria provided, conflicting classifications (1 of 4 stars). 6 submissions from 6 submitters: Uncertain significance (4); Likely benign (2). Last evaluated 2026-01-18.

Conditions:
Inborn genetic diseases. Identifiers: MedGen C0950123, MeSH D030342.
PC-related disorder. Also called: PC-related condition.
Pyruvate carboxylase deficiency. Also called: LEIGH NECROTIZING ENCEPHALOPATHY DUE TO PYRUVATE CARBOXYLASE DEFICIENCY; LEIGH SYNDROME DUE TO PYRUVATE CARBOXYLASE DEFICIENCY; ATAXIA WITH LACTIC ACIDOSIS II; Pyruvate Carboxylase Deficiency Disease; PC DEFICIENCY. Identifiers: Orphanet 3008, MedGen C0034341, MONDO:0009949, OMIM 266150.

Allele frequency attached by ClinVar (database versions not stated): gnomAD 0.00011 and 0.00012; TOPMed 0.00011.
gnomAD v4.1: 131 of 1,613,692 alleles (0.0081%); highest among the groups gnomAD compares: East Asian, 0.0067%; no homozygotes.

Submissions (6):

Labcorp Genetics (formerly Invitae), Labcorp
Classification: Likely benign for Pyruvate carboxylase deficiency. Last evaluated: 2026-01-18. Review status: criteria provided, single submitter. Criteria: Invitae Variant Classification Sherloc (09022015). Collection method: clinical testing. Allele origin: germline.

PreventionGenetics, part of Exact Sciences
Classification: Likely benign for PC-related condition. Last evaluated: 2025-06-17. Review status: criteria provided, single submitter. Criteria: ACMG Guidelines, 2015. Collection method: clinical testing. Allele origin: germline.
Comment: This variant is classified as likely benign based on ACMG/AMP sequence variant interpretation guidelines (Richards et al. 2015 PMID: 25741868, with internal and published modifications).

GeneDx
Classification: Uncertain significance. Last evaluated: 2025-04-25. Review status: criteria provided, single submitter. Criteria: GeneDx Variant Classification Process June 2021. Collection method: clinical testing. Allele origin: germline. Affected: yes.
Comment: In silico analysis indicates that this missense variant does not alter protein structure/function; Has not been previously published as pathogenic or benign to our knowledge

Ambry Genetics
Classification: Uncertain significance for Inborn genetic diseases. Last evaluated: 2022-07-19. Review status: criteria provided, single submitter. Criteria: Ambry Variant Classification Scheme 2023. Collection method: clinical testing. Allele origin: germline.

Fulgent Genetics
Classification: Uncertain significance for Pyruvate carboxylase deficiency. Last evaluated: 2021-07-15. Review status: criteria provided, single submitter. Criteria: ACMG Guidelines, 2015. Collection method: clinical testing. Allele origin: unknown.

Illumina Laboratory Services, Illumina
Classification: Uncertain significance for Pyruvate carboxylase deficiency. Last evaluated: 2018-01-13. Review status: criteria provided, single submitter. Criteria: ICSL Variant Classification Criteria 13 December 2019. Collection method: clinical testing. Allele origin: germline.